The following is an entry in ClinVar:

NM_003336.4(UBE2A):c.330+1del

Gene: UBE2A (ubiquitin conjugating enzyme E2 A; plus strand). Cytogenetic location: Xq24.
Variant type: Deletion.
Coding change: c.330+1del on transcript NM_003336.4 (MANE Select); the canonical splice donor site of the intron after coding-DNA position 330, one base deleted (G; older notation c.330+1delG).
Molecular consequence: splice donor variant.
Genome position (GRCh38, 1-based): chrX:119,582,677, G deleted; the last of 2 consecutive G bases (chrX:119,582,676-119,582,677); deleting either gives the same sequence. VCF-style (leftmost placement, unchanged base first): chrX-119582675-AG-A. GRCh37 (hg19) VCF-style: chrX-118716638-AG-A.
Other names: c.240+1del (NM_181762.3); c.231+1del (NM_001282161.2).
Identifiers: ClinVar variation 3061895 (VCV003061895.1), dbSNP rs2520655961, ClinGen allele CA2740092263.
Genomic context (GRCh38, chrX:119,582,675, plus strand): 5'-ACATACTTCAGAACCGTTGGAGTCCAACCTATGATGTGTCTTCCATTCTAACATCCATAC[AG>A]GTGAATTTTTCCTTAATGTGACGAACTATAACTTTTAATATGTTTATATTAGCAATTGAA-3'

ClinVar aggregate classification (germline): Likely pathogenic (1 of 4 stars; one submission).

Conditions:
Intellectual developmental disorder, X-linked, syndromic, Nascimento type. Also called: MENTAL RETARDATION, X-LINKED, SYNDROMIC 30; Syndromic X-linked intellectual disability Nascimento type. Identifiers: Orphanet 163956, MedGen C3275464, MONDO:0010461, OMIM 300860.

Submission:

MVZ Medizinische Genetik Mainz
Classification: Likely pathogenic for Intellectual developmental disorder, X-linked, syndromic, Nascimento type. Last evaluated: 2023-03-02. Review status: criteria provided, single submitter. Criteria: UK Practice Guidelines For Variant Classification V4 01 2020. Collection method: clinical testing. Allele origin: germline. Inheritance: X-linked dominant inheritance. Affected: yes. Observed: 1 variant allele.
Comment: PVS1, PM2_SUP